The following is an entry in ClinVar:

NM_001136191.3(KANK2):c.2465C>T (p.Ala822Val)

Gene: KANK2 (KN motif and ankyrin repeat domains 2; minus strand). Cytogenetic location: 19p13.2.
Variant type: single nucleotide variant.
Coding change: c.2465C>T on transcript NM_001136191.3 (MANE Select); coding-DNA position 2465, C replaced by T.
Protein change: p.Ala822Val; replaces alanine 822 with valine.
Molecular consequence: missense variant.
Genome position (GRCh38, 1-based): chr19:11,169,914, G>A on the plus strand (C>T on the coding strand, the complement: KANK2 is on the minus strand). VCF-style: chr19-11169914-G-A. GRCh37 (hg19) VCF-style: chr19-11280590-G-A.
Other names: c.2465C>T, p.Ala822Val (NM_001329451.2, NM_001379555.1, NM_001379556.1 and 7 more transcripts); c.2489C>T, p.Ala830Val (NM_001379548.1, NM_001379549.1, NM_001379550.1 and 5 more transcripts); short protein forms A822V, A830V.
Identifiers: ClinVar variation 2196666 (VCV002196666.4), dbSNP rs779791847, ClinGen allele CA9205248.
Genomic context (GRCh38, chr19:11,169,914, plus strand): 5'-TACCCGGCCGGATTGAGACTCACCGAGCACTTGATGTTCATGCGGGAATACAGCATGGAC[G>A]CAATCTCACTCTGCCCTGCGTCCAAGGCCACCATCAGAGCTGTGCTCCCATCCTGCAAAG-3'
Protein context (NP_001129663.1, residues 812-832): VALDAGQSEI[Ala822Val]SMLYSRMNIK

ClinVar aggregate classification (germline): Uncertain significance (1 of 4 stars; one submission).

Allele frequency attached by ClinVar (database versions not stated): gnomAD exomes 0.00002; ExAC 0.00004; TOPMed 0.00015; gnomAD 0.00016.

Submission:

Labcorp Genetics (formerly Invitae), Labcorp
Classification: Uncertain significance. Last evaluated: 2025-06-12. Review status: criteria provided, single submitter. Criteria: Invitae Variant Classification Sherloc (09022015). Collection method: clinical testing. Allele origin: germline.
Comment: This sequence change replaces alanine, which is neutral and non-polar, with valine, which is neutral and non-polar, at codon 822 of the KANK2 protein (p.Ala822Val). This variant is present in population databases (rs779791847, gnomAD 0.07%), and has an allele count higher than expected for a pathogenic variant. This variant has not been reported in the literature in individuals affected with KANK2-related conditions. ClinVar contains an entry for this variant (Variation ID: 2196666). An algorithm developed to predict the effect of missense changes on protein structure and function (PolyPhen-2) suggests that this variant is likely to be disruptive. In summary, the available evidence is currently insufficient to determine the role of this variant in disease. Therefore, it has been classified as a Variant of Uncertain Significance.